The following is an entry in ClinVar:

NM_012203.2(GRHPR):c.905G>A (p.Arg302His)

Gene: GRHPR (glyoxylate and hydroxypyruvate reductase; plus strand). Cytogenetic location: 9p13.2.
Variant type: single nucleotide variant.
Coding change: c.905G>A on transcript NM_012203.2 (MANE Select); coding-DNA position 905, G replaced by A.
Protein change: p.Arg302His; replaces arginine 302 with histidine.
Molecular consequence: missense variant.
Genome position (GRCh38, 1-based): chr9:37,436,700, G>A. VCF-style: chr9-37436700-G-A. GRCh37 (hg19) VCF-style: chr9-37436697-G-A.
Other names: short protein forms R302H.
Identifiers: ClinVar variation 204237 (VCV000204237.8), dbSNP rs180177323, ClinGen allele CA275895.

ClinVar aggregate classification (germline): Conflicting classifications of pathogenicity. Review status: criteria provided, conflicting classifications (1 of 4 stars). 6 submissions from 6 submitters: Likely pathogenic (3); Uncertain significance (2). 1 of the submissions does not count toward it. Last evaluated 2025-09-11.

Conditions:
Primary hyperoxaluria, type II (HP2). Also called: GLYCERIC ACIDURIA; GLYOXYLATE REDUCTASE/HYDROXYPYRUVATE REDUCTASE DEFICIENCY; Primary hyperoxaluria type 2; OXALOSIS II; D-GLYCERATE DEHYDROGENASE DEFICIENCY. Identifiers: Orphanet 416, Orphanet 93599, MedGen C0268165, MONDO:0009824, OMIM 260000. Disease mechanism: loss of function.

Allele frequency attached by ClinVar (database versions not stated): gnomAD exomes 0.00001; TOPMed 0.00001; ExAC 0.00002; gnomAD 0.00003.
gnomAD v4.1: 17 of 1,613,732 alleles (0.0011%); highest among the groups gnomAD compares: Middle Eastern, 0.016%; no homozygotes.

Submissions (6):

Myriad Genetics, Inc.
Classification: Uncertain significance for Primary hyperoxaluria, type II. Last evaluated: 2025-09-11. Review status: criteria provided, single submitter. Criteria: Myriad Autosomal Dominant, Autosomal Recessive and X-Linked Classification Criteria (2023). Collection method: clinical testing. Allele origin: unknown.
Comment: NM_012203.1(GRHPR):c.905G>A(R302H) is a missense variant classified as a variant of uncertain significance in the context of primary hyperoxaluria type 2. R302H has been observed in cases with relevant disease (PMID: 25629080, 31685312). Relevant functional assessments of this variant are not available in the literature. R302H has been observed in referenced population frequency databases. In summary, there is insufficient evidence to classify NM_012203.1(GRHPR):c.905G>A(R302H) as pathogenic or benign. Please note: this variant was assessed in the context of healthy population screening.

Natera, Inc.
Classification: Likely pathogenic for Primary hyperoxaluria type II. Last evaluated: 2025-06-21. Review status: criteria provided, single submitter. Criteria: Natera Variant Classification Schema (03/2026). Collection method: clinical testing. Allele origin: germline.
Comment: The c.905G>A variant in GRHPR is a missense variant predicted to cause substitution of arginine to histidine at amino acid 302. This variant is rare in the general population with a frequency below the threshold expected for the associated phenotype(s). This variant has been observed in one or more individuals affected with the associated recessive disease, as either homozygous or compound heterozygous with a second variant (PMID: 25629080). A different variant at the same position has been determined to be Pathogenic or Likely Pathogenic. Computational prediction algorithms indicate this variant is likely to affect gene or protein function. Given the available evidence, this variant is classified as Likely Pathogenic.

Fulgent Genetics
Classification: Likely pathogenic for Primary hyperoxaluria, type II. Last evaluated: 2024-03-12. Review status: criteria provided, single submitter. Criteria: ACMG Guidelines, 2015. Collection method: clinical testing. Allele origin: germline.

Women's Health and Genetics/Laboratory Corporation of America, LabCorp
Classification: Uncertain significance. Last evaluated: 2024-03-12. Review status: criteria provided, single submitter. Criteria: LabCorp Variant Classification Summary - May 2015. Collection method: clinical testing. Allele origin: germline.
Comment: Variant summary: GRHPR c.905G>A (p.Arg302His) results in a non-conservative amino acid change located in the D-isomer specific 2-hydroxyacid dehydrogenase, catalytic domain (IPR006139) of the encoded protein sequence. Five of five in-silico tools predict a damaging effect of the variant on protein function. The variant allele was found at a frequency of 8e-06 in 251472 control chromosomes. The available data on variant occurrences in the general population are insufficient to allow any conclusion about variant significance. c.905G>A has been reported in the literature in at least one compound heterozygous individual and an individual without a reported second variant, both affected with Primary Hyperoxaluria Type 2 (e.g. Williams_2014, Garrelfs_2019). These data do not allow any conclusion about variant significance. To our knowledge, no experimental evidence demonstrating an impact on protein function has been reported. The following publications have been ascertained in the context of this evaluation (PMID: 31685312, 25629080). ClinVar contains an entry for this variant (Variation ID: 204237). Based on the evidence outlined above, the variant was classified as uncertain significance.

Baylor Genetics
Classification: Likely pathogenic for Primary hyperoxaluria, type II. Last evaluated: 2023-09-21. Review status: criteria provided, single submitter. Criteria: ACMG Guidelines, 2015. Collection method: clinical testing. Allele origin: unknown.

Clinical Biochemistry Laboratory, Health Services Laboratory
Classification: Pathogenic for Primary hyperoxaluria, type II. Last evaluated: 2014-11-27. Review status: no assertion criteria provided. Collection method: research. Allele origin: germline. Affected: yes. Not counted in ClinVar's aggregate classification.
Comment: Affects same amino acid as 904C>T.

Literature cited by the submitters: PubMed 25629080 (cited by 3 submitters); PubMed 31685312 (cited by Myriad Genetics, Inc. and Women's Health and Genetics/Laboratory Corporation of America, LabCorp).